The following is an entry in ClinVar:

ClinVar aggregate classification (germline): Uncertain significance (1 of 4 stars; one submission).

Submission:

Mayo Clinic Laboratories, Mayo Clinic
Classification: Uncertain significance. Last evaluated: 2025-03-07. Review status: criteria provided, single submitter. Criteria: ACMG Guidelines, 2015. Collection method: clinical testing. Allele origin: germline. Observed: 1 variant allele.
Comment: PM2_supporting

NM_004715.5(CTDP1):c.872T>A (p.Phe291Tyr)

Gene: CTDP1 (CTD phosphatase subunit 1; plus strand). Cytogenetic location: 18q23.
Variant type: single nucleotide variant.
Coding change: c.872T>A on transcript NM_004715.5 (MANE Select); coding-DNA position 872, T replaced by A.
Protein change: p.Phe291Tyr; replaces phenylalanine 291 with tyrosine.
Molecular consequence: missense variant.
Genome position (GRCh38, 1-based): chr18:79,712,980, T>A. VCF-style: chr18-79712980-T-A. GRCh37 (hg19) VCF-style: chr18-77472980-T-A.
Other names: p.Phe291Tyr; c.515T>A, p.Phe172Tyr (NM_001202504.1); c.872T>A, p.Phe291Tyr (NM_001318511.2, NM_048368.4); short protein forms F172Y, F291Y.
Identifiers: ClinVar variation 4542272 (VCV004542272.1).